The following is an entry in ClinVar:

NM_006944.3(SPP2):c.550+1G>A

Gene: SPP2 (secreted phosphoprotein 2; plus strand). Cytogenetic location: 2q37.1.
Variant type: single nucleotide variant.
Coding change: c.550+1G>A on transcript NM_006944.3 (MANE Select); the canonical splice donor site of the intron after coding-DNA position 550, G replaced by A.
Molecular consequence: splice donor variant.
Genome position (GRCh38, 1-based): chr2:234,067,275, G>A. VCF-style: chr2-234067275-G-A. GRCh37 (hg19) VCF-style: chr2-234975919-G-A.
Identifiers: ClinVar variation 1005614 (VCV001005614.7), dbSNP rs367801817, ClinGen allele CA351105312.

ClinVar aggregate classification (germline): Uncertain significance (1 of 4 stars; one submission).

gnomAD v4.1: 5 of 1,613,900 alleles (0.00031%); highest among the groups gnomAD compares: Middle Eastern, 0.05%; no homozygotes.

Submission:

Labcorp Genetics (formerly Invitae), Labcorp
Classification: Uncertain significance. Last evaluated: 2026-01-18. Review status: criteria provided, single submitter. Criteria: Invitae Variant Classification Sherloc (09022015). Collection method: clinical testing. Allele origin: germline.
Comment: This sequence change falls in intron 6 of the SPP2 gene. It does not directly change the encoded amino acid sequence of the SPP2 protein. It affects a nucleotide within the consensus splice site. This variant is present in population databases (no rsID available, gnomAD no frequency). This variant has not been reported in the literature in individuals affected with SPP2-related conditions. ClinVar contains an entry for this variant (Variation ID: 1005614). Variants that disrupt the consensus splice site are a relatively common cause of aberrant splicing (PMID: 17576681, 9536098). Algorithms developed to predict the effect of sequence changes on RNA splicing suggest that this variant may disrupt the consensus splice site. In summary, the available evidence is currently insufficient to determine the role of this variant in disease. Therefore, it has been classified as a Variant of Uncertain Significance.

Literature cited by the submitters: PubMed 17576681; PubMed 9536098.